The following is an entry in ClinVar:

ClinVar aggregate classification (germline): Likely benign. Review status: criteria provided, multiple submitters, no conflicts (2 of 4 stars). 2 submissions from 2 submitters: Likely benign (2). Last evaluated 2025-12-01.

gnomAD v4.1: 784 of 1,614,084 alleles (0.049%); highest among the groups gnomAD compares: South Asian, 0.69%; 13 homozygotes.

Submissions (2):

CeGaT Center for Human Genetics Tuebingen
Classification: Likely benign. Last evaluated: 2025-12-01. Review status: criteria provided, single submitter. Criteria: CeGaT Center For Human Genetics Tuebingen Variant Classification Criteria Version 2. Collection method: clinical testing. Allele origin: germline. Affected: yes. Observed: 1 variant allele.
Comment: MACF1: BP4, BS2

Blueprint Genetics
Classification: Likely benign. Last evaluated: 2023-02-17. Review status: criteria provided, single submitter. Criteria: ACMG Guidelines, 2015. Collection method: clinical testing. Allele origin: germline.

NM_001394062.1(MACF1):c.8447A>C (p.Gln2816Pro)

Gene: MACF1 (microtubule actin crosslinking factor 1; plus strand). Cytogenetic location: 1p34.3.
Variant type: single nucleotide variant.
Coding change: c.8447A>C on transcript NM_001394062.1 (MANE Select); coding-DNA position 8447, A replaced by C.
Protein change: p.Gln2816Pro; replaces glutamine 2816 with proline.
Molecular consequence: missense variant. On other transcripts: intron variant (1).
Genome position (GRCh38, 1-based): chr1:39,335,035, A>C. VCF-style: chr1-39335035-A-C. GRCh37 (hg19) VCF-style: chr1-39800707-A-C.
Other names: c.4629+7682A>C (NM_012090.5); short protein forms Q2816P.
Identifiers: ClinVar variation 4821030 (VCV004821030.5).
Genomic context (GRCh38, chr1:39,335,035, plus strand): 5'-CTTGTAATCAGACTGCTGAAATGAGTTGTAATAAAGTAGAAGAGAGTGAGAGATTATTTC[A>C]AGTTGAAAATCAGTCTGCACAAGAAAAGGTTAAAGTGAGAGTTTCTGATGGGGAGCAGGC-3'
Protein context (NP_001380991.1, residues 2806-2826): NKVEESERLF[Gln2816Pro]VENQSAQEKV